The following is an entry in ClinVar:

ClinVar aggregate classification (germline): Uncertain significance (1 of 4 stars; one submission).

Allele frequency attached by ClinVar (database versions not stated): TOPMed below 0.00001; gnomAD 0.00007; gnomAD exomes 0.00010; ExAC 0.00030; 1000 Genomes Project 0.00060; 1000 Genomes Project 30x 0.00078.

Submission:

Labcorp Genetics (formerly Invitae), Labcorp
Classification: Uncertain significance. Last evaluated: 2022-06-10. Review status: criteria provided, single submitter. Criteria: Invitae Variant Classification Sherloc (09022015). Collection method: clinical testing. Allele origin: germline.
Comment: In summary, the available evidence is currently insufficient to determine the role of this variant in disease. Therefore, it has been classified as a Variant of Uncertain Significance. Algorithms developed to predict the effect of missense changes on protein structure and function (SIFT, PolyPhen-2, Align-GVGD) all suggest that this variant is likely to be tolerated. This variant has not been reported in the literature in individuals affected with SPART-related conditions. This variant is present in population databases (rs543131842, gnomAD 0.2%). This sequence change replaces threonine, which is neutral and polar, with arginine, which is basic and polar, at codon 67 of the SPART protein (p.Thr67Arg).

NM_015087.5(SPART):c.200C>G (p.Thr67Arg)

Gene: SPART (spartin; minus strand). Cytogenetic location: 13q13.3.
Variant type: single nucleotide variant.
Coding change: c.200C>G on transcript NM_015087.5 (MANE Select); coding-DNA position 200, C replaced by G.
Protein change: p.Thr67Arg; replaces threonine 67 with arginine.
Molecular consequence: missense variant.
Genome position (GRCh38, 1-based): chr13:36,335,631, G>C on the plus strand (C>G on the coding strand, the complement: SPART is on the minus strand). VCF-style: chr13-36335631-G-C. GRCh37 (hg19) VCF-style: chr13-36909768-G-C.
Other names: c.200C>G, p.Thr67Arg (NM_001142294.2, NM_001142295.2, NM_001142296.2); short protein forms T67R.
Identifiers: ClinVar variation 1916723 (VCV001916723.5), dbSNP rs543131842, ClinGen allele CA6949677.
Genomic context (GRCh38, chr13:36,335,631, plus strand): 5'-TTCTGTAGAGTTTCTTTCATTTTCTGTTGCATCTGTCTAGCAGATTCCCACCCAGGACCT[G>C]TGTGTTCAGACTCTTTTGATGAAATGCTGATCCCTCTGAGCAGGTGTCCTATTCCTTGCT-3'
Protein context (NP_055902.1, residues 57-77): ISISSKESEH[Thr67Arg]GPGWESARQM